The following is an entry in ClinVar:

ClinVar aggregate classification (germline): Uncertain significance (1 of 4 stars; one submission).

Conditions:
Familial cancer of breast. Also called: Hereditary breast cancer; hereditary breast carcinoma; BREAST CANCER, FAMILIAL. Identifiers: Orphanet 227535, MedGen C0346153, MONDO:0016419, OMIM 114480. Disease mechanism: loss of function.

Submission:

Labcorp Genetics (formerly Invitae), Labcorp
Classification: Uncertain significance for Familial cancer of breast. Last evaluated: 2025-08-02. Review status: criteria provided, single submitter. Criteria: Invitae Variant Classification Sherloc (09022015). Collection method: clinical testing. Allele origin: germline.
Comment: This sequence change replaces cysteine, which is neutral and slightly polar, with serine, which is neutral and polar, at codon 469 of the BARD1 protein (p.Cys469Ser). This variant is not present in population databases (gnomAD no frequency). This missense change has been observed in individual(s) with endometrial cancer (PMID: 27443514). ClinVar contains an entry for this variant (Variation ID: 2184251). An algorithm developed to predict the effect of missense changes on protein structure and function (PolyPhen-2) suggests that this variant is likely to be disruptive. In summary, the available evidence is currently insufficient to determine the role of this variant in disease. Therefore, it has been classified as a Variant of Uncertain Significance.

Literature cited by the submitters: PubMed 27443514.

NM_000465.4(BARD1):c.1405T>A (p.Cys469Ser)

Gene: BARD1 (BRCA1 associated RING domain 1; minus strand). Cytogenetic location: 2q35.
Variant type: single nucleotide variant.
Coding change: c.1405T>A on transcript NM_000465.4 (MANE Select); coding-DNA position 1405, T replaced by A.
Protein change: p.Cys469Ser; replaces cysteine 469 with serine.
Molecular consequence: missense variant. On other transcripts: non-coding transcript variant (3), intron variant (3).
Genome position (GRCh38, 1-based): chr2:214,767,645, A>T on the plus strand (T>A on the coding strand, the complement: BARD1 is on the minus strand). VCF-style: chr2-214767645-A-T. GRCh37 (hg19) VCF-style: chr2-215632369-A-T.
Other names: c.1348T>A, p.Cys450Ser (NM_001282543.2); c.159-15090T>A (NM_001282548.2); c.216-15090T>A (NM_001282545.2); c.364+24652T>A (NM_001282549.2); short protein forms C469S, C450S.
Identifiers: ClinVar variation 2184251 (VCV002184251.4), dbSNP rs940797218, ClinGen allele CA350448840.